The following is an entry in ClinVar:

ClinVar aggregate classification (germline): Pathogenic (1 of 4 stars; one submission).

Conditions:
Leber congenital amaurosis 13 (LCA13). Identifiers: MedGen C2675186, MONDO:0012990, OMIM 612712.

Submission:

Labcorp Genetics (formerly Invitae), Labcorp
Classification: Pathogenic for Leber congenital amaurosis 13. Last evaluated: 2021-04-22. Review status: criteria provided, single submitter. Criteria: Invitae Variant Classification Sherloc (09022015). Collection method: clinical testing. Allele origin: germline.
Comment: This variant is not present in population databases (ExAC no frequency). For these reasons, this variant has been classified as Pathogenic. This variant has not been reported in the literature in individuals with RDH12-related conditions. This sequence change creates a premature translational stop signal (p.Val18*) in the RDH12 gene. It is expected to result in an absent or disrupted protein product. Loss-of-function variants in RDH12 are known to be pathogenic (PMID: 17964524, 22065924).

Literature cited by the submitters: PubMed 17964524; PubMed 22065924.

NM_152443.3(RDH12):c.52del (p.Met17_Val18insTer)

Genes: GPHN (gephyrin; plus strand), RDH12 (retinol dehydrogenase 12; plus strand). Cytogenetic location: 14q24.1.
Variant type: Deletion.
Coding change: c.52del on transcript NM_152443.3 (MANE Select); coding-DNA position 52, one base deleted (G; older notation c.52delG).
Protein change: p.Met17_Val18insTer.
Molecular consequence: nonsense.
Genome position (GRCh38, 1-based): chr14:67,722,694, G deleted; the last of 2 consecutive G bases (chr14:67,722,693-67,722,694); deleting either gives the same sequence. VCF-style (leftmost placement, unchanged base first): chr14-67722692-TG-T. GRCh37 (hg19) VCF-style: chr14-68189409-TG-T.
Identifiers: ClinVar variation 1451652 (VCV001451652.6), dbSNP rs2140138107, ClinGen allele CA2573150100.
Genomic context (GRCh38, chr14:67,722,692, plus strand): 5'-AAGTTGGAACGATGCTGGTCACCTTGGGACTGCTCACCTCCTTCTTCTCGTTCCTGTATA[TG>T]GTAGCTCCATCCATCAGGTTTGTCTTAATTCAGCAACTCAAACAATCGTTTACAAAGACC-3'